The following is an entry in ClinVar:

ClinVar aggregate classification (germline): Pathogenic (1 of 4 stars; one submission).

Conditions:
Primary ciliary dyskinesia. Also called: Ciliary dyskinesia. Identifiers: Orphanet 244, MedGen C0008780, MONDO:0016575, HP:0012265.

Submission:

Labcorp Genetics (formerly Invitae), Labcorp
Classification: Pathogenic for Primary ciliary dyskinesia. Last evaluated: 2021-09-01. Review status: criteria provided, single submitter. Criteria: Invitae Variant Classification Sherloc (09022015). Collection method: clinical testing. Allele origin: germline.
Comment: This variant is a gross deletion of the genomic region encompassing exon(s) 10-11 of the DNAI2 gene. This deletion is out-of-frame, and is expected to create a premature termination codon and result in an absent or disrupted protein product. Loss-of-function variants in DNAI2 are known to be pathogenic (PMID: 18950741, 23891469). This variant has not been reported in the literature in individuals affected with DNAI2-related conditions. For these reasons, this variant has been classified as Pathogenic.

Literature cited by the submitters: PubMed 18950741; PubMed 23891469.

NC_000017.10:g.(?_72305382)_(72306312_?)del

Gene: DNAI2 (dynein axonemal intermediate chain 2; plus strand). Cytogenetic location: 17q25.1.
Variant type: Deletion.
Identifiers: ClinVar variation 1456778 (VCV001456778.12).